The following is an entry in ClinVar:

ClinVar aggregate classification (germline): Uncertain significance (1 of 4 stars; one submission).

Conditions:
Cardiomyopathy (CMYO). Also called: Cardiomyopathies. Identifiers: Orphanet 167848, MedGen C0878544, MONDO:0004994, HP:0001638. Inheritance: Various modes of inheritance.

Submission:

Color Diagnostics, LLC DBA Color Health
Classification: Uncertain significance for Cardiomyopathy. Last evaluated: 2019-07-28. Review status: criteria provided, single submitter. Criteria: ACMG Guidelines, 2015. Collection method: clinical testing. Allele origin: germline.
Comment: This variant is located in the 3' untranslated region of the TPM1 gene. To our knowledge, functional assays have not been performed for this variant nor has this variant been reported in individuals affected with cardiovascular disorders in the literature. This variant has not been identified in the general population by the Genome Aggregation Database (gnomAD). Available evidence is insufficient to determine the role of this variant in disease conclusively. Therefore, this variant is classified as a Variant of Uncertain Significance.

NC_000015.10:g.63069865T>C

Gene: TPM1 (tropomyosin 1; plus strand). Cytogenetic location: 15q22.2.
Variant type: single nucleotide variant.
Molecular consequence: intron variant (on NM_001365778.1).
Genome position: GRCh38 VCF-style: chr15-63069865-T-C. GRCh37 (hg19) VCF-style: chr15-63362064-T-C.
Other names: c.899-1225T>C (NM_001365778.1); c.773-5T>C (NM_001407336.1, NM_001407338.1, NM_001407337.1 and 1 more transcripts); c.773-1225T>C (NM_001018020.2, NM_001018007.2, NM_001018006.2 and 1 more transcripts); c.852-1225T>C (NM_001407326.1); c.665-5T>C (NM_001330351.2, NM_001018008.2); c.665-1225T>C (NM_001330344.2, NM_001301289.2).
Identifiers: ClinVar variation 920054 (VCV000920054.4), dbSNP rs2036507718, ClinGen allele CA1139664021.